The following is an entry in ClinVar:

ClinVar aggregate classification (germline): Uncertain significance. Review status: criteria provided, multiple submitters, no conflicts (2 of 4 stars). 4 submissions from 4 submitters: Uncertain significance (4). Last evaluated 2025-07-10.

Conditions:
RYR1-related disorder. Also called: RYR1-related condition; RYR1-related disorders. Identifiers: MedGen CN239331.
Inborn genetic diseases. Identifiers: MedGen C0950123, MeSH D030342.
Malignant hyperthermia, susceptibility to, 1 (MHS1). Also called: Anesthesia related hyperthermia; Malignant hyperpyrexia; Fulminating hyperpyrexia; Pharmacogenic myopathy; RYR1-Related Malignant Hyperthermia Susceptibility; Malignant hyperthermia suceptibility 1. Identifiers: Orphanet 423, MedGen C2930980, MONDO:0007783, OMIM 145600.

Allele frequency attached by ClinVar (database versions not stated): ExAC 0.00001.
gnomAD v4.1: 8 of 1,612,188 alleles (0.0005%); highest among the groups gnomAD compares: Non-Finnish European, 0.00068%; no homozygotes.

Submissions (4):

GeneDx
Classification: Uncertain significance. Last evaluated: 2025-07-10. Review status: criteria provided, single submitter. Criteria: GeneDx Variant Classification Process June 2021. Collection method: clinical testing. Allele origin: germline. Affected: yes.
Comment: Not observed at significant frequency in large population cohorts (gnomAD); In silico analysis supports that this missense variant has a deleterious effect on protein structure/function; Has not been previously published as pathogenic or benign to our knowledge

All of Us Research Program, National Institutes of Health
Classification: Uncertain significance for Malignant hyperthermia, susceptibility to, 1. Last evaluated: 2024-06-11. Review status: criteria provided, single submitter. Criteria: ACMG Guidelines, 2015. Collection method: clinical testing. Allele origin: germline. Inheritance: Autosomal dominant inheritance. Observed: 2 variant alleles, 2 heterozygotes.
Comment: This study involves interpretation of variants in research participants for the purpose of population health screening. Participant phenotype was not available at the time of variant classification. Additional details can be found in publication PMID: 35346344, PMCID: PMC8962531

Labcorp Genetics (formerly Invitae), Labcorp
Classification: Uncertain significance for RYR1-related disorder. Last evaluated: 2024-05-26. Review status: criteria provided, single submitter. Criteria: Invitae Variant Classification Sherloc (09022015). Collection method: clinical testing. Allele origin: germline.
Comment: This sequence change replaces glutamic acid, which is acidic and polar, with lysine, which is basic and polar, at codon 4195 of the RYR1 protein (p.Glu4195Lys). This variant is present in population databases (rs778155711, gnomAD 0.0009%). This variant has not been reported in the literature in individuals affected with RYR1-related conditions. ClinVar contains an entry for this variant (Variation ID: 2405504). Advanced modeling of protein sequence and biophysical properties (such as structural, functional, and spatial information, amino acid conservation, physicochemical variation, residue mobility, and thermodynamic stability) performed at Invitae indicates that this missense variant is expected to disrupt RYR1 protein function with a positive predictive value of 95%. In summary, the available evidence is currently insufficient to determine the role of this variant in disease. Therefore, it has been classified as a Variant of Uncertain Significance.

Ambry Genetics
Classification: Uncertain significance for Inborn genetic diseases. Last evaluated: 2021-09-21. Review status: criteria provided, single submitter. Criteria: Ambry Variant Classification Scheme 2023. Collection method: clinical testing. Allele origin: germline.

NM_000540.3(RYR1):c.12583G>A (p.Glu4195Lys)

Gene: RYR1 (ryanodine receptor 1; plus strand). Cytogenetic location: 19q13.2.
Variant type: single nucleotide variant.
Coding change: c.12583G>A on transcript NM_000540.3 (MANE Select); coding-DNA position 12583, G replaced by A.
Protein change: p.Glu4195Lys; replaces glutamic acid 4195 with lysine.
Molecular consequence: missense variant.
Genome position (GRCh38, 1-based): chr19:38,561,413, G>A. VCF-style: chr19-38561413-G-A. GRCh37 (hg19) VCF-style: chr19-39052053-G-A.
Other names: c.12568G>A, p.Glu4190Lys (NM_001042723.2); short protein forms E4190K, E4195K.
Identifiers: ClinVar variation 2405504 (VCV002405504.7), dbSNP rs778155711, ClinGen allele CA059133.